The following is an entry in ClinVar:

NM_005236.3(ERCC4):c.2057T>C (p.Val686Ala)

Gene: ERCC4 (ERCC excision repair 4, endonuclease catalytic subunit; plus strand). Cytogenetic location: 16p13.12.
Variant type: single nucleotide variant.
Coding change: c.2057T>C on transcript NM_005236.3 (MANE Select); coding-DNA position 2057, T replaced by C.
Protein change: p.Val686Ala; replaces valine 686 with alanine.
Molecular consequence: missense variant.
Genome position (GRCh38, 1-based): chr16:13,947,653, T>C. VCF-style: chr16-13947653-T-C. GRCh37 (hg19) VCF-style: chr16-14041510-T-C.
Other names: short protein forms V686A.
Identifiers: ClinVar variation 3756289 (VCV003756289.2).

ClinVar aggregate classification (germline): Uncertain significance (1 of 4 stars; one submission).

Conditions:
Xeroderma pigmentosum, group F (XPF). Also called: XERODERMA PIGMENTOSUM, COMPLEMENTATION GROUP F; XERODERMA PIGMENTOSUM VI; XP, GROUP F; ERCC4-Related Xeroderma Pigmentosum; XERODERMA PIGMENTOSUM, TYPE F; Xeroderma pigmentosum, type 6. Identifiers: MedGen C0268140, MONDO:0010215, OMIM 278760.
Fanconi anemia complementation group Q. Identifiers: Orphanet 84, MedGen C3808988, MONDO:0014108, OMIM 615272.
Cockayne syndrome. Identifiers: Orphanet 191, MedGen C0009207, MONDO:0016006.

gnomAD v4.1: 3 of 1,614,198 alleles (0.00019%); highest among the groups gnomAD compares: Non-Finnish European, 0.00025%; no homozygotes.

Submission:

Labcorp Genetics (formerly Invitae), Labcorp
Classification: Uncertain significance for Fanconi anemia complementation group Q; Xeroderma pigmentosum, group F; Cockayne syndrome. Last evaluated: 2024-12-28. Review status: criteria provided, single submitter. Criteria: Invitae Variant Classification Sherloc (09022015). Collection method: clinical testing. Allele origin: germline.
Comment: This sequence change replaces valine, which is neutral and non-polar, with alanine, which is neutral and non-polar, at codon 686 of the ERCC4 protein (p.Val686Ala). This variant is present in population databases (rs751928876, gnomAD 0.0009%). This variant has not been reported in the literature in individuals affected with ERCC4-related conditions. Invitae Evidence Modeling of protein sequence and biophysical properties (such as structural, functional, and spatial information, amino acid conservation, physicochemical variation, residue mobility, and thermodynamic stability) indicates that this missense variant is expected to disrupt ERCC4 protein function with a positive predictive value of 80%. In summary, the available evidence is currently insufficient to determine the role of this variant in disease. Therefore, it has been classified as a Variant of Uncertain Significance.